The following is an entry in ClinVar:

NM_017671.5(FERMT1):c.1791C>T (p.Thr597=)

Gene: FERMT1 (FERM domain containing kindlin 1; minus strand). Cytogenetic location: 20p12.3.
Variant type: single nucleotide variant.
Coding change: c.1791C>T on transcript NM_017671.5 (MANE Select); coding-DNA position 1791, C replaced by T.
Protein change: p.Thr597=; no amino-acid change (threonine 597 retained).
Molecular consequence: synonymous variant.
Genome position (GRCh38, 1-based): chr20:6,079,505, G>A on the plus strand (C>T on the coding strand, the complement: FERMT1 is on the minus strand). VCF-style: chr20-6079505-G-A. GRCh37 (hg19) VCF-style: chr20-6060152-G-A.
Identifiers: ClinVar variation 741315 (VCV000741315.12), dbSNP rs768944793, ClinGen allele CA9758033.
Genomic context (GRCh38, chr20:6,079,505, plus strand): 5'-TTCCCAGTTTACATTCCACTGTTTGATATTTGTGAATCTCCATGTTGTCACTGGAATCCC[G>A]GTGGCTGCATCAATTTTAATCAACCTGTTATATGAAACTCCCAGAATGTCATCTTTTTTG-3'
Protein context (NP_060141.3, residues 587-607): YNRLIKIDAA[Thr597=]GIPVTTWRFT

ClinVar aggregate classification (germline): Benign/Likely benign. Review status: criteria provided, multiple submitters, no conflicts (2 of 4 stars). 2 submissions from 2 submitters: Benign (1); Likely benign (1). Last evaluated 2026-03-01.

Allele frequency attached by ClinVar (database versions not stated): gnomAD exomes 0.00010; TOPMed 0.00011; gnomAD 0.00016 and 0.00017.
gnomAD v4.1: 179 of 1,613,042 alleles (0.011%); highest among the groups gnomAD compares: East Asian, 0.036%; 1 homozygote.

Submissions (2):

CeGaT Center for Human Genetics Tuebingen
Classification: Likely benign. Last evaluated: 2026-03-01. Review status: criteria provided, single submitter. Criteria: CeGaT Center For Human Genetics Tuebingen Variant Classification Criteria Version 2. Collection method: clinical testing. Allele origin: germline. Affected: yes. Observed: 1 variant allele.
Comment: FERMT1: BP4, BP7

Labcorp Genetics (formerly Invitae), Labcorp
Classification: Benign. Last evaluated: 2025-04-13. Review status: criteria provided, single submitter. Criteria: Invitae Variant Classification Sherloc (09022015). Collection method: clinical testing. Allele origin: germline.